The following is an entry in ClinVar:

NM_001378452.1(ITPR1):c.2617A>G (p.Asn873Asp)

Gene: ITPR1 (inositol 1,4,5-trisphosphate receptor type 1; plus strand). Cytogenetic location: 3p26.1.
Variant type: single nucleotide variant.
Coding change: c.2617A>G on transcript NM_001378452.1 (MANE Select); coding-DNA position 2617, A replaced by G.
Protein change: p.Asn873Asp; replaces asparagine 873 with aspartic acid.
Molecular consequence: missense variant.
Genome position (GRCh38, 1-based): chr3:4,675,086, A>G. VCF-style: chr3-4675086-A-G. GRCh37 (hg19) VCF-style: chr3-4716770-A-G.
Other names: c.2617A>G, p.Asn873Asp (NM_001099952.4); c.2572A>G, p.Asn858Asp (NM_001168272.2, NM_002222.7); short protein forms N858D, N873D.
Identifiers: ClinVar variation 3774703 (VCV003774703.1).
Genomic context (GRCh38, chr3:4,675,086, plus strand): 5'-GTTTATGTAATACCGTCTTCTTCTTTTATTTTAATACAATAGGTTGTAAATTTAGCTAGG[A>G]ATCTCATATACTTTGGTTTCTACAACTTCTCTGACCTTCTACGATTAACTAAGATCCTTC-3'
Protein context (NP_001365381.1, residues 863-883): LTFEVVNLAR[Asn873Asp]LIYFGFYNFS

ClinVar aggregate classification (germline): Uncertain significance (1 of 4 stars; one submission).

gnomAD v4.1: 1 of 1,571,812 alleles (0.000064%); highest among the groups gnomAD compares: Non-Finnish European, 0.000087%; no homozygotes.

Submission:

GeneDx
Classification: Uncertain significance. Last evaluated: 2024-09-25. Review status: criteria provided, single submitter. Criteria: GeneDx Variant Classification Process June 2021. Collection method: clinical testing. Allele origin: germline. Affected: yes.
Comment: Not observed at significant frequency in large population cohorts (gnomAD); In silico analysis indicates that this missense variant does not alter protein structure/function; Has not been previously published as pathogenic or benign to our knowledge